The following is an entry in ClinVar:

ClinVar aggregate classification (germline): Likely pathogenic (1 of 4 stars; one submission).

Conditions:
Hereditary spherocytosis (SPH). Also called: Congenital spherocytosis; Congenital spherocytic hemolytic anemia. Identifiers: Orphanet 822, MedGen C0037889, MONDO:0019350. Disease mechanism: loss of function.

Submission:

MVZ Dr. Eberhard & Partner Dortmund
Classification: Likely pathogenic for Hereditary spherocytosis. Last evaluated: 2018-03-20. Review status: criteria provided, single submitter. Criteria: ACMG Guidelines, 2015. Collection method: clinical testing. Allele origin: unknown. Observed: 1 variant allele, 1 heterozygote.
Comment: Frameshift mutation that generates a premature stop at exon 30 which results in a modified, c-terminal self assoscation site, p.(Ala2066Leufs*12).

NM_001355436.2(SPTB):c.6194_6195dup (p.Ala2066fs)

Gene: SPTB (spectrin beta, erythrocytic; minus strand). Cytogenetic location: 14q23.3.
Variant type: Duplication.
Coding change: c.6194_6195dup on transcript NM_001355436.2 (MANE Select); coding-DNA positions 6194 to 6195, 2 bases duplicated (TT; older notation c.6194_6195dupTT).
Protein change: p.Ala2066fs; shifts the reading frame from alanine 2066.
Molecular consequence: frameshift variant.
Genome position (GRCh38, 1-based): chr14:64,767,687-64,767,688, AA duplicated on the plus strand (TT on the coding strand, the reverse complement: SPTB is on the minus strand); duplicating any 2 consecutive bases within chr14:64,767,687-64,767,689 gives the same sequence; the c. name uses the placement nearest the transcript's 3' end. VCF-style (leftmost placement, unchanged base first): chr14-64767686-C-CAA. GRCh37 (hg19) VCF-style: chr14-65234404-C-CAA.
Other names: c.6194_6195dup, p.Ala2066fs (NM_001024858.4, NM_001355437.2); short protein forms A2066fs.
Identifiers: ClinVar variation 523132 (VCV000523132.2), dbSNP rs1555366592, ClinGen allele CA658824353.